The following is an entry in ClinVar:

NM_031892.3(SH3KBP1):c.590A>G (p.Asn197Ser)

Gene: SH3KBP1 (SH3 domain containing kinase binding protein 1; minus strand). Cytogenetic location: Xp22.12.
Variant type: single nucleotide variant.
Coding change: c.590A>G on transcript NM_031892.3 (MANE Select); coding-DNA position 590, A replaced by G.
Protein change: p.Asn197Ser; replaces asparagine 197 with serine.
Molecular consequence: missense variant.
Genome position (GRCh38, 1-based): chrX:19,683,959, T>C on the plus strand (A>G on the coding strand, the complement: SH3KBP1 is on the minus strand). VCF-style: chrX-19683959-T-C. GRCh37 (hg19) VCF-style: chrX-19702077-T-C.
Other names: c.479A>G, p.Asn160Ser (NM_001024666.3); c.590A>G, p.Asn197Ser (NM_001353890.2); c.665A>G, p.Asn222Ser (NM_001353891.2, NM_001353892.2); c.488A>G, p.Asn163Ser (NM_001353893.2, NM_001353894.2); c.545A>G, p.Asn182Ser (NM_001353895.2); c.722A>G, p.Asn241Ser (NM_001410756.1, NM_001410757.1); c.413A>G, p.Asn138Ser (NM_001410758.1); short protein forms N163S, N222S, N241S, N138S, N160S, N197S, N182S.
Identifiers: ClinVar variation 1941818 (VCV001941818.6), dbSNP rs187106457, ClinGen allele CA10364797.

ClinVar aggregate classification (germline): Uncertain significance. Review status: criteria provided, multiple submitters, no conflicts (2 of 4 stars). 2 submissions from 2 submitters: Uncertain significance (2). Last evaluated 2026-01-23.

Allele frequency attached by ClinVar (database versions not stated): gnomAD 0.00002; gnomAD exomes 0.00002; ExAC 0.00003; 1000 Genomes Project 30x 0.00021; 1000 Genomes Project 0.00026.
gnomAD v4.1: 12 of 1,209,047 alleles (0.00099%); highest among the groups gnomAD compares: South Asian, 0.007%; no homozygotes.

Submissions (2):

Women's Health and Genetics/Laboratory Corporation of America, LabCorp
Classification: Uncertain significance. Last evaluated: 2026-01-23. Review status: criteria provided, single submitter. Criteria: LabCorp Variant Classification Summary - May 2015. Collection method: clinical testing. Allele origin: germline.

Labcorp Genetics (formerly Invitae), Labcorp
Classification: Uncertain significance. Last evaluated: 2022-07-24. Review status: criteria provided, single submitter. Criteria: Invitae Variant Classification Sherloc (09022015). Collection method: clinical testing. Allele origin: germline.
Comment: This variant has not been reported in the literature in individuals affected with SH3KBP1-related conditions. In summary, the available evidence is currently insufficient to determine the role of this variant in disease. Therefore, it has been classified as a Variant of Uncertain Significance. Algorithms developed to predict the effect of missense changes on protein structure and function are either unavailable or do not agree on the potential impact of this missense change (SIFT: "Deleterious"; PolyPhen-2: "Benign"; Align-GVGD: "Class C0"). This variant is present in population databases (rs187106457, gnomAD 0.01%). This sequence change replaces asparagine, which is neutral and polar, with serine, which is neutral and polar, at codon 197 of the SH3KBP1 protein (p.Asn197Ser).